The following is an entry in ClinVar:

ClinVar aggregate classification (germline): Conflicting classifications of pathogenicity. Review status: criteria provided, conflicting classifications (1 of 4 stars). 5 submissions from 5 submitters: Uncertain significance (3); Benign (1); Likely benign (1). Last evaluated 2024-10-06.

Conditions:
Usher syndrome type 2C. Also called: Usher syndrome, type 2B; USHER SYNDROME, TYPE IIC. Identifiers: Orphanet 231178, Orphanet 886, MedGen C2931213, MONDO:0011558, OMIM 605472.

Allele frequency attached by ClinVar (database versions not stated): TOPMed 0.00001; gnomAD 0.00002 and 0.00004; gnomAD exomes 0.00004 and 0.00008; 1000 Genomes Project 0.00060; ExAC 0.00005; 1000 Genomes Project 30x 0.00047.
gnomAD v4.1: 122 of 1,613,960 alleles (0.0076%); highest among the groups gnomAD compares: East Asian, 0.27%; no homozygotes.

Submissions (5):

Labcorp Genetics (formerly Invitae), Labcorp
Classification: Likely benign. Last evaluated: 2024-10-06. Review status: criteria provided, single submitter. Criteria: Invitae Variant Classification Sherloc (09022015). Collection method: clinical testing. Allele origin: germline.

Women's Health and Genetics/Laboratory Corporation of America, LabCorp
Classification: Uncertain significance. Last evaluated: 2024-08-26. Review status: criteria provided, single submitter. Criteria: LabCorp Variant Classification Summary - May 2015. Collection method: clinical testing. Allele origin: germline.
Comment: Variant summary: ADGRV1 c.14319A>G (p.Ile4773Met) results in a conservative amino acid change in the encoded protein sequence. Four of five in-silico tools predict a benign effect of the variant on protein function. The variant allele was found at a frequency of 3.6e-05 in 248950 control chromosomes. The available data on variant occurrences in the general population are insufficient to allow any conclusion about variant significance. c.14319A>G has been reported in the literature in individuals affected with Usher Syndrome. These report(s) do not provide unequivocal conclusions about association of the variant with Usher Syndrome. To our knowledge, no experimental evidence demonstrating an impact on protein function has been reported. ClinVar contains an entry for this variant (Variation ID: 907576). Based on the evidence outlined above, the variant was classified as uncertain significance.

Athena Diagnostics
Classification: Uncertain significance. Last evaluated: 2024-04-11. Review status: criteria provided, single submitter. Criteria: Athena Diagnostics Criteria. Collection method: clinical testing. Allele origin: unknown.

GeneDx
Classification: Uncertain significance. Last evaluated: 2022-01-03. Review status: criteria provided, single submitter. Criteria: GeneDx Variant Classification Process June 2021. Collection method: clinical testing. Allele origin: germline. Affected: yes.
Comment: Reported in patients with hearing loss in published literature (Miyagawa et al., 2013); case information is limited; In silico analysis supports that this missense variant does not alter protein structure/function; This variant is associated with the following publications: (PMID: 29761117, 23967202)

Illumina Laboratory Services, Illumina
Classification: Benign for Usher syndrome type 2C. Last evaluated: 2017-07-16. Review status: criteria provided, single submitter. Criteria: ICSL Variant Classification Criteria 13 December 2019. Collection method: clinical testing. Allele origin: germline.
Comment: This variant was observed as part of a predisposition screen in an ostensibly healthy population. A literature search was performed for the gene, cDNA change, and amino acid change (where applicable). Publications were found based on this search. The evidence from the literature, in combination with allele frequency data from public databases where available, was sufficient to rule this variant out of causing disease. Therefore, this variant is classified as benign.

Literature cited by the submitters: PubMed 23967202 (cited by 3 submitters); PubMed 29761117 (cited by Athena Diagnostics).

NM_032119.4(ADGRV1):c.14319A>G (p.Ile4773Met)

Gene: ADGRV1 (adhesion G protein-coupled receptor V1; plus strand). Cytogenetic location: 5q14.3.
Variant type: single nucleotide variant.
Coding change: c.14319A>G on transcript NM_032119.4 (MANE Select); coding-DNA position 14319, A replaced by G.
Protein change: p.Ile4773Met; replaces isoleucine 4773 with methionine.
Molecular consequence: missense variant. On other transcripts: non-coding transcript variant (1).
Genome position (GRCh38, 1-based): chr5:90,791,148, A>G. VCF-style: chr5-90791148-A-G. GRCh37 (hg19) VCF-style: chr5-90086965-A-G.
Other names: short protein forms I4773M.
Identifiers: ClinVar variation 907576 (VCV000907576.15), dbSNP rs201953675, ClinGen allele CA3341706.